The following is an entry in ClinVar:

ClinVar aggregate classification (germline): Conflicting classifications of pathogenicity. Review status: criteria provided, conflicting classifications (1 of 4 stars). 4 submissions from 4 submitters: Uncertain significance (1); Likely benign (2). 1 of the submissions does not count toward it. Last evaluated 2026-02-04.

Conditions:
Epidermolysis bullosa dystrophica. Also called: Dystrophic epidermolysis bullosa, Hallopeau-Siemens type (formerly); Dystrophic epidermolysis bullosa. Identifiers: Orphanet 303, MedGen C0079294, MONDO:0006543.

Allele frequency attached by ClinVar (database versions not stated): ExAC 0.00012; gnomAD 0.00012 and 0.00013; gnomAD exomes 0.00013; TOPMed 0.00021; ESP Exome Variant Server 0.00023.
gnomAD v4.1: 218 of 1,614,018 alleles (0.014%); highest among the groups gnomAD compares: Admixed American, 0.05%; no homozygotes.

Submissions (4):

Labcorp Genetics (formerly Invitae), Labcorp
Classification: Likely benign. Last evaluated: 2026-02-04. Review status: criteria provided, single submitter. Criteria: Invitae Variant Classification Sherloc (09022015). Collection method: clinical testing. Allele origin: germline.

CeGaT Center for Human Genetics Tuebingen
Classification: Uncertain significance. Last evaluated: 2025-09-01. Review status: criteria provided, single submitter. Criteria: CeGaT Center For Human Genetics Tuebingen Variant Classification Criteria Version 2. Collection method: clinical testing. Allele origin: germline. Affected: yes. Observed: 1 variant allele.
Comment: COL7A1: PM2:Supporting, BP4

Blueprint Genetics
Classification: Likely benign. Last evaluated: 2024-11-22. Review status: criteria provided, single submitter. Criteria: ACMG Guidelines, 2015. Collection method: clinical testing. Allele origin: germline.

Natera, Inc.
Classification: Uncertain significance for Dystrophic epidermolysis bullosa. Last evaluated: 2020-02-13. Review status: no assertion criteria provided. Collection method: clinical testing. Allele origin: germline. Not counted in ClinVar's aggregate classification.

NM_000094.4(COL7A1):c.5271+8A>G

Gene: COL7A1 (collagen type VII alpha 1 chain; minus strand). Cytogenetic location: 3p21.31.
Variant type: single nucleotide variant.
Coding change: c.5271+8A>G on transcript NM_000094.4 (MANE Select); 8 bases into the intron after coding-DNA position 5271, A replaced by G.
Molecular consequence: intron variant.
Genome position (GRCh38, 1-based): chr3:48,579,472, T>C on the plus strand (A>G on the coding strand, the complement: COL7A1 is on the minus strand). VCF-style: chr3-48579472-T-C. GRCh37 (hg19) VCF-style: chr3-48616905-T-C.
Identifiers: ClinVar variation 745601 (VCV000745601.18), dbSNP rs369192298, ClinGen allele CA2379588.